The following is an entry in ClinVar:

ClinVar aggregate classification (germline): Uncertain significance. Review status: criteria provided, multiple submitters, no conflicts (2 of 4 stars). 2 submissions from 2 submitters: Uncertain significance (2). Last evaluated 2024-03-01.

Conditions:
Hereditary cancer-predisposing syndrome. Also called: Neoplastic Syndromes, Hereditary; Tumor predisposition; Hereditary neoplastic syndrome; Hereditary Cancer Syndrome. Identifiers: Orphanet 140162, MedGen C0027672, MeSH D009386, MONDO:0015356.
Rhabdoid tumor predisposition syndrome 2 (RTPS2). Identifiers: Orphanet 231108, Orphanet 69077, MedGen C2750074, MONDO:0013224, OMIM 613325.

Submissions (2):

Labcorp Genetics (formerly Invitae), Labcorp
Classification: Uncertain significance for Rhabdoid tumor predisposition syndrome 2. Last evaluated: 2024-03-01. Review status: criteria provided, single submitter. Criteria: Invitae Variant Classification Sherloc (09022015). Collection method: clinical testing. Allele origin: germline.
Comment: This sequence change replaces proline, which is neutral and non-polar, with arginine, which is basic and polar, at codon 244 of the SMARCA4 protein (p.Pro244Arg). This variant is not present in population databases (gnomAD no frequency). This variant has not been reported in the literature in individuals affected with SMARCA4-related conditions. ClinVar contains an entry for this variant (Variation ID: 826965). Advanced modeling of protein sequence and biophysical properties (such as structural, functional, and spatial information, amino acid conservation, physicochemical variation, residue mobility, and thermodynamic stability) has been performed at Invitae for this missense variant, however the output from this modeling did not meet the statistical confidence thresholds required to predict the impact of this variant on SMARCA4 protein function. In summary, the available evidence is currently insufficient to determine the role of this variant in disease. Therefore, it has been classified as a Variant of Uncertain Significance.

Ambry Genetics
Classification: Uncertain significance for Hereditary cancer-predisposing syndrome. Last evaluated: 2018-10-19. Review status: criteria provided, single submitter. Criteria: Ambry Variant Classification Scheme 2023. Collection method: clinical testing. Allele origin: germline.
Comment: The p.P244R variant (also known as c.731C>G), located in coding exon 3 of the SMARCA4 gene, results from a C to G substitution at nucleotide position 731. The proline at codon 244 is replaced by arginine, an amino acid with dissimilar properties. This amino acid position is highly conserved in available vertebrate species. In addition, the in silico prediction for this alteration is inconclusive. Since supporting evidence is limited at this time, the clinical significance of this alteration remains unclear.

NM_003072.5(SMARCA4):c.731C>G (p.Pro244Arg)

Gene: SMARCA4 (SWI/SNF related BAF chromatin remodeling complex subunit ATPase 4; plus strand). Cytogenetic location: 19p13.2.
Variant type: single nucleotide variant.
Coding change: c.731C>G on transcript NM_003072.5 (MANE Select); coding-DNA position 731, C replaced by G.
Protein change: p.Pro244Arg; replaces proline 244 with arginine.
Molecular consequence: missense variant. On other transcripts: non-coding transcript variant (1).
Genome position (GRCh38, 1-based): chr19:10,986,564, C>G. VCF-style: chr19-10986564-C-G. GRCh37 (hg19) VCF-style: chr19-11097240-C-G.
Other names: c.731C>G, p.Pro244Arg (NM_001128844.3, NM_001128845.2, NM_001128846.2 and 4 more transcripts); short protein forms P244R.
Identifiers: ClinVar variation 826965 (VCV000826965.10), dbSNP rs587778683, ClinGen allele CA404057217.